The following is an entry in ClinVar:

ClinVar aggregate classification (germline): Likely pathogenic (1 of 4 stars; one submission).

Conditions:
Pelizaeus-Merzbacher disease. Also called: LEUKODYSTROPHY, HYPOMYELINATING, 1; Sudanophilic leukodystrophy; Pelizaeus-Merzbacher spectrum disorder; Pelizaeus-Merzbacher Disease (PMD); Pelizeaus-Merzbacher spectrum disorder. Identifiers: Orphanet 702, MedGen C0205711, MONDO:0010714, OMIM 312080, HP:0003269.

Submission:

Molecular Diagnostics Lab, Nemours Children's Health, Delaware
Classification: Likely pathogenic for Pelizaeus-Merzbacher disease. Last evaluated: 2021-12-15. Review status: criteria provided, single submitter. Criteria: ACMG Guidelines, 2015. Collection method: clinical testing. Allele origin: maternal, unknown. Inheritance: X-linked inheritance. Affected: yes and no. Observed: 1 heterozygote, 1 hemizygote.
Comment: This missense variant (c.517C>T, p.Pro173Ser) has not been observed in population databases (gnomAD). It has been described in the literature (PMID 157122223, PMID 25491635, PMID 19024090). Variant prediction programs support a deleterious effect on the protein, although no functional studies have been published.

Literature cited by the submitters: PubMed 15712223; PubMed 25491635; PubMed 19024090.

NM_000533.5(PLP1):c.517C>T (p.Pro173Ser)

Genes: PLP1 (proteolipid protein 1; plus strand), RAB9B (RAB9B, member RAS oncogene family; minus strand). Cytogenetic location: Xq22.2.
Variant type: single nucleotide variant.
Coding change: c.517C>T on transcript NM_000533.5 (MANE Select); coding-DNA position 517, C replaced by T.
Protein change: p.Pro173Ser; replaces proline 173 with serine.
Molecular consequence: missense variant.
Genome position (GRCh38, 1-based): chrX:103,787,861, C>T. VCF-style: chrX-103787861-C-T. GRCh37 (hg19) VCF-style: chrX-103042790-C-T.
Other names: c.517C>T, p.Pro173Ser (NM_001128834.3); c.352C>T, p.Pro118Ser (NM_001305004.1); c.412C>T, p.Pro138Ser (NM_199478.3); short protein forms P118S, P138S, P173S.
Identifiers: ClinVar variation 3255437 (VCV003255437.2), dbSNP rs2522314448.